The following is an entry in ClinVar:

NM_001035.3(RYR2):c.4793G>A (p.Arg1598Lys)

Gene: RYR2 (ryanodine receptor 2; plus strand). Cytogenetic location: 1q43.
Variant type: single nucleotide variant.
Coding change: c.4793G>A on transcript NM_001035.3 (MANE Select); coding-DNA position 4793, G replaced by A.
Protein change: p.Arg1598Lys; replaces arginine 1598 with lysine.
Molecular consequence: missense variant.
Genome position (GRCh38, 1-based): chr1:237,610,871, G>A. VCF-style: chr1-237610871-G-A. GRCh37 (hg19) VCF-style: chr1-237774171-G-A.
Other names: short protein forms R1598K.
Identifiers: ClinVar variation 1052333 (VCV001052333.14), dbSNP rs1056392680, ClinGen allele CA39824966.

ClinVar aggregate classification (germline): Uncertain significance. Review status: criteria provided, multiple submitters, no conflicts (2 of 4 stars). 3 submissions from 3 submitters: Uncertain significance (3). Last evaluated 2024-03-07.

Conditions:
Catecholaminergic polymorphic ventricular tachycardia (CVPT). Also called: Catecholamine-induced polymorphic ventricular tachycardia. Identifiers: Orphanet 3286, MedGen C5574922, MONDO:0017990.
Catecholaminergic polymorphic ventricular tachycardia 1. Also called: VENTRICULAR TACHYCARDIA, STRESS-INDUCED POLYMORPHIC 1; VENTRICULAR TACHYCARDIA, CATECHOLAMINERGIC POLYMORPHIC, 1, WITH OR WITHOUT ATRIAL DYSFUNCTION AND/OR DILATED CARDIOMYOPATHY; RYR2-Related Catecholaminergic Polymorphic Ventricular Tachycardia. Identifiers: Orphanet 3286, MedGen C1631597, MONDO:0011484, OMIM 604772.
Cardiomyopathy (CMYO). Also called: Cardiomyopathies. Identifiers: Orphanet 167848, MedGen C0878544, MONDO:0004994, HP:0001638. Inheritance: Various modes of inheritance.

Allele frequency attached by ClinVar (database versions not stated): TOPMed below 0.00001; gnomAD 0.00001.
gnomAD v4.1: 3 of 1,613,294 alleles (0.00019%); highest among the groups gnomAD compares: Non-Finnish European, 0.00025%; no homozygotes.

Submissions (3):

Color Diagnostics, LLC DBA Color Health
Classification: Uncertain significance for Cardiomyopathy. Last evaluated: 2024-03-07. Review status: criteria provided, single submitter. Criteria: ACMG Guidelines, 2015. Collection method: clinical testing. Allele origin: germline.
Comment: This missense variant replaces arginine with lysine at codon 1598 of the RYR2 protein. Computational prediction suggests that this variant may have deleterious impact on protein structure and function (internally defined REVEL score threshold >= 0.7, PMID: 27666373). To our knowledge, functional studies have not been reported for this variant. This variant has not been reported in individuals affected with cardiovascular disorders in the literature. This variant has not been identified in the general population by the Genome Aggregation Database (gnomAD). The available evidence is insufficient to determine the role of this variant in disease conclusively. Therefore, this variant is classified as a Variant of Uncertain Significance.

Labcorp Genetics (formerly Invitae), Labcorp
Classification: Uncertain significance for Catecholaminergic polymorphic ventricular tachycardia 1. Last evaluated: 2023-12-21. Review status: criteria provided, single submitter. Criteria: Invitae Variant Classification Sherloc (09022015). Collection method: clinical testing. Allele origin: germline.
Comment: This sequence change replaces arginine, which is basic and polar, with lysine, which is basic and polar, at codon 1598 of the RYR2 protein (p.Arg1598Lys). This variant is not present in population databases (gnomAD no frequency). This variant has not been reported in the literature in individuals affected with RYR2-related conditions. ClinVar contains an entry for this variant (Variation ID: 1052333). Advanced modeling of protein sequence and biophysical properties (such as structural, functional, and spatial information, amino acid conservation, physicochemical variation, residue mobility, and thermodynamic stability) performed at Invitae indicates that this missense variant is expected to disrupt RYR2 protein function with a positive predictive value of 95%. In summary, the available evidence is currently insufficient to determine the role of this variant in disease. Therefore, it has been classified as a Variant of Uncertain Significance.

All of Us Research Program, National Institutes of Health
Classification: Uncertain significance for Catecholaminergic polymorphic ventricular tachycardia. Last evaluated: 2023-01-10. Review status: criteria provided, single submitter. Criteria: ACMG Guidelines, 2015. Collection method: clinical testing. Allele origin: germline. Inheritance: Autosomal dominant inheritance. Observed: 1 variant allele, 1 heterozygote.
Comment: This missense variant replaces arginine with lysine at codon 1598 of the RYR2 protein. Computational prediction suggests that this variant may have deleterious impact on protein structure and function (internally defined REVEL score threshold >= 0.7, PMID: 27666373). To our knowledge, functional studies have not been reported for this variant. This variant has not been reported in individuals affected with cardiovascular disorders in the literature. This variant has not been identified in the general population by the Genome Aggregation Database (gnomAD). The available evidence is insufficient to determine the role of this variant in disease conclusively. Therefore, this variant is classified as a Variant of Uncertain Significance.

This study involves interpretation of variants in research participants for the purpose of population health screening. Participant phenotype was not available at the time of variant classification. Additional details can be found in publication PMID: 35346344, PMCID: PMC8962531